The following is an entry in ClinVar:

ClinVar aggregate classification (germline): Conflicting classifications of pathogenicity. Review status: criteria provided, conflicting classifications (1 of 4 stars). 5 submissions from 5 submitters: Likely pathogenic (1); Uncertain significance (4). Last evaluated 2026-01-26.

Conditions:
PMM2-related disorder. Also called: PMM2-related condition.
PMM2-congenital disorder of glycosylation. Also called: CDG Ia; JAEKEN SYNDROME; Congenital disorder of glycosylation, type Ia; PHOSPHOMANNOMUTASE 2 DEFICIENCY; CARBOHYDRATE-DEFICIENT GLYCOPROTEIN SYNDROME, TYPE Ia; PMM2-CDG. Identifiers: Orphanet 79318, MedGen C0349653, MONDO:0008907, OMIM 212065.

Allele frequency attached by ClinVar (database versions not stated): TOPMed 0.00002; gnomAD 0.00003; ExAC 0.00006.
gnomAD v4.1: 61 of 1,613,522 alleles (0.0038%); highest among the groups gnomAD compares: Admixed American, 0.023%; no homozygotes.

Submissions (5):

Labcorp Genetics (formerly Invitae), Labcorp
Classification: Likely pathogenic for PMM2-congenital disorder of glycosylation. Last evaluated: 2026-01-26. Review status: criteria provided, single submitter. Criteria: Invitae Variant Classification Sherloc (09022015). Collection method: clinical testing. Allele origin: germline.
Comment: This sequence change replaces arginine, which is basic and polar, with serine, which is neutral and polar, at codon 239 of the PMM2 protein (p.Arg239Ser). This variant is present in population databases (rs780441704, gnomAD 0.03%). This variant has not been reported in the literature in individuals affected with PMM2-related conditions. ClinVar contains an entry for this variant (Variation ID: 2139665). Invitae Evidence Modeling of protein sequence and biophysical properties (such as structural, functional, and spatial information, amino acid conservation, physicochemical variation, residue mobility, and thermodynamic stability) indicates that this missense variant is expected to disrupt PMM2 protein function with a positive predictive value of 95%. This variant disrupts the p.Arg239 amino acid residue in PMM2. Other variant(s) that disrupt this residue have been determined to be pathogenic (PMID: 11156536, 28425223). This suggests that this residue is clinically significant, and that variants that disrupt this residue are likely to be disease-causing. In summary, the currently available evidence indicates that the variant is pathogenic, but additional data are needed to prove that conclusively. Therefore, this variant has been classified as Likely Pathogenic.

PreventionGenetics, part of Exact Sciences
Classification: Uncertain significance for PMM2-related condition. Last evaluated: 2025-11-24. Review status: criteria provided, single submitter. Criteria: ACMG Guidelines, 2015. Collection method: clinical testing. Allele origin: germline.
Comment: The PMM2 c.717G>T variant is predicted to result in the amino acid substitution p.Arg239Ser. To our knowledge, this variant has not been reported in the literature. This variant is reported in 0.028% of alleles in individuals of Latino descent in gnomAD. An alternate missense change impacting the same amino acid (p.Arg239Trp) has been reported in the compound heterozygous state with a causative PMM2 variant in three siblings with congenital disorder of glycosylation, type Ia, and in vitro analysis demonstrated decreased enzyme activity in a sibling's fibroblasts (Vals et al. 2017. PubMed ID: 28425223). At this time, the clinical significance of the c.717G>T (p.Arg239Ser) variant is uncertain due to the absence of conclusive functional and genetic evidence.

Mayo Clinic Laboratories, Mayo Clinic
Classification: Uncertain significance. Last evaluated: 2025-02-17. Review status: criteria provided, single submitter. Criteria: ACMG Guidelines, 2015. Collection method: clinical testing. Allele origin: germline. Observed: 1 variant allele.
Comment: PM1, PM2_supporting, PM5

GeneDx
Classification: Uncertain significance. Last evaluated: 2024-02-01. Review status: criteria provided, single submitter. Criteria: GeneDx Variant Classification Process June 2021. Collection method: clinical testing. Allele origin: germline. Affected: yes.
Comment: Has not been previously published as pathogenic or benign to our knowledge; In silico analysis supports that this missense variant has a deleterious effect on protein structure/function; This variant is associated with the following publications: (PMID: 11156536, 28425223)

Blueprint Genetics
Classification: Uncertain significance. Last evaluated: 2020-09-01. Review status: criteria provided, single submitter. Criteria: ACMG Guidelines, 2015. Collection method: clinical testing. Allele origin: germline.

Literature cited by the submitters: PubMed 11156536 (cited by Labcorp Genetics (formerly Invitae), Labcorp); PubMed 28425223 (cited by Labcorp Genetics (formerly Invitae), Labcorp).

NM_000303.3(PMM2):c.717G>T (p.Arg239Ser)

Gene: PMM2 (phosphomannomutase 2; plus strand). Cytogenetic location: 16p13.2.
Variant type: single nucleotide variant.
Coding change: c.717G>T on transcript NM_000303.3 (MANE Select); coding-DNA position 717, G replaced by T.
Protein change: p.Arg239Ser; replaces arginine 239 with serine.
Molecular consequence: missense variant.
Genome position (GRCh38, 1-based): chr16:8,847,801, G>T. VCF-style: chr16-8847801-G-T. GRCh37 (hg19) VCF-style: chr16-8941658-G-T.
Other names: p.Arg239Ser; c.717G>T (NM_000303.2); short protein forms R239S.
Identifiers: ClinVar variation 2139665 (VCV002139665.8), dbSNP rs780441704, ClinGen allele CA7894216.
Genomic context (GRCh38, chr16:8,847,801, plus strand): 5'-GATCTTCACAGACCCCAGAACCATGGGCTACTCCGTGACAGCGCCTGAGGACACGCGCAG[G>T]ATCTGTGAACTGCTGTTCTCCTAACGTGGGAGCGGGAGGGGCGGGGTCCCGGCTGACAAG-3'
Protein context (NP_000294.1, residues 229-246): YSVTAPEDTR[Arg239Ser]ICELLFS